The following is an entry in ClinVar:

NM_018297.4(NGLY1):c.1449del (p.Cys484fs)

Gene: NGLY1 (N-glycanase 1; minus strand). Cytogenetic location: 3p24.2.
Variant type: Deletion.
Coding change: c.1449del on transcript NM_018297.4 (MANE Select); coding-DNA position 1449, one base deleted (C; older notation c.1449delC).
Protein change: p.Cys484fs; shifts the reading frame from cysteine 484.
Molecular consequence: frameshift variant.
Genome position (GRCh38, 1-based): chr3:25,729,295, G deleted on the plus strand (C on the coding strand, the reverse complement: NGLY1 is on the minus strand); the first of 3 consecutive G bases (chr3:25,729,295-25,729,297); deleting any one gives the same sequence. VCF-style (leftmost placement, unchanged base first): chr3-25729294-AG-A. GRCh37 (hg19) VCF-style: chr3-25770785-AG-A.
Other names: c.1395del, p.Cys466fs (NM_001145293.2); c.1323del, p.Cys442fs (NM_001145294.2); c.1449del, p.Cys484fs (NM_001145295.2); short protein forms C442fs, C466fs, C484fs.
Identifiers: ClinVar variation 1069924 (VCV001069924.5), dbSNP rs2125459914, ClinGen allele CA2499216640.
Genomic context (GRCh38, chr3:25,729,294, plus strand): 5'-AACGATCTTTCACAATATTGTAACAAAGGTGGAGCTGTTTAGAAATCTTCTCATTTTCAC[AG>A]GGAATAAACAAGGTTTCTTTTCTCTTAAAAAGAAAGCAGAATTAGTTTTTCAACATTATG-3'

ClinVar aggregate classification (germline): Pathogenic (1 of 4 stars; one submission).

Conditions:
Congenital disorder of deglycosylation (CDDG). Identifiers: MedGen C3808991, MONDO:0031376.

Submission:

Labcorp Genetics (formerly Invitae), Labcorp
Classification: Pathogenic for Congenital disorder of deglycosylation. Last evaluated: 2020-02-21. Review status: criteria provided, single submitter. Criteria: Invitae Variant Classification Sherloc (09022015). Collection method: clinical testing. Allele origin: germline.
Comment: This sequence change creates a premature translational stop signal (p.Cys484Valfs*17) in the NGLY1 gene. It is expected to result in an absent or disrupted protein product. This variant is not present in population databases (ExAC no frequency). This variant has not been reported in the literature in individuals with NGLY1-related conditions. Loss-of-function variants in NGLY1 are known to be pathogenic (PMID: 24651605). For these reasons, this variant has been classified as Pathogenic.

Literature cited by the submitters: PubMed 24651605.